The following is an entry in ClinVar:

NM_001363711.2(DUOX2):c.259G>A (p.Ala87Thr)

Gene: DUOX2 (dual oxidase 2; minus strand). Cytogenetic location: 15q21.1.
Variant type: single nucleotide variant.
Coding change: c.259G>A on transcript NM_001363711.2 (MANE Select); coding-DNA position 259, G replaced by A.
Protein change: p.Ala87Thr; replaces alanine 87 with threonine.
Molecular consequence: missense variant.
Genome position (GRCh38, 1-based): chr15:45,112,620, C>T on the plus strand (G>A on the coding strand, the complement: DUOX2 is on the minus strand). VCF-style: chr15-45112620-C-T. GRCh37 (hg19) VCF-style: chr15-45404818-C-T.
Other names: c.259G>A, p.Ala87Thr (NM_014080.5); short protein forms A87T.
Identifiers: ClinVar variation 2075757 (VCV002075757.4), dbSNP rs2504788580, ClinGen allele CA392279670.
Genomic context (GRCh38, chr15:45,112,620, plus strand): 5'-AGACCCCCAGTACGGTGCGGTTGTGGAGCGACGGCAGGCCGGCTATGCCCCGCGTGGCTG[C>T]GTTGCTGAGCCGGCGCGGGTTGGGCAGCTGCGGCTCCTCCAGAGCCTGATACACACCGTC-3'
Protein context (NP_001350640.1, residues 77-97): QLPNPRRLSN[Ala87Thr]ATRGIAGLPS

ClinVar aggregate classification (germline): Uncertain significance (1 of 4 stars; one submission).

Submission:

Labcorp Genetics (formerly Invitae), Labcorp
Classification: Uncertain significance. Last evaluated: 2022-01-05. Review status: criteria provided, single submitter. Criteria: Invitae Variant Classification Sherloc (09022015). Collection method: clinical testing. Allele origin: germline.
Comment: In summary, the available evidence is currently insufficient to determine the role of this variant in disease. Therefore, it has been classified as a Variant of Uncertain Significance. This sequence change replaces alanine, which is neutral and non-polar, with threonine, which is neutral and polar, at codon 87 of the DUOX2 protein (p.Ala87Thr). This variant is not present in population databases (gnomAD no frequency). This variant has not been reported in the literature in individuals affected with DUOX2-related conditions. Advanced modeling of protein sequence and biophysical properties (such as structural, functional, and spatial information, amino acid conservation, physicochemical variation, residue mobility, and thermodynamic stability) performed at Invitae indicates that this missense variant is not expected to disrupt DUOX2 protein function.